The following is an entry in ClinVar:

NM_005245.4(FAT1):c.11549_11553del (p.Lys3850fs)

Gene: FAT1 (FAT atypical cadherin 1; minus strand). Cytogenetic location: 4q35.2.
Variant type: Deletion.
Coding change: c.11549_11553del on transcript NM_005245.4 (MANE Select); coding-DNA positions 11549 to 11553, 5 bases deleted (AATTA; older notation c.11549_11553delAATTA).
Protein change: p.Lys3850fs; shifts the reading frame from lysine 3850.
Molecular consequence: frameshift variant.
Genome position (GRCh38, 1-based): chr4:186,601,356-186,601,360, TAATT deleted on the plus strand (AATTA on the coding strand, the reverse complement: FAT1 is on the minus strand); deleting any 5 consecutive bases within chr4:186,601,356-186,601,361 gives the same sequence; the c. name uses the placement nearest the transcript's 3' end. VCF-style (leftmost placement, unchanged base first): chr4-186601355-CTAATT-C. GRCh37 (hg19) VCF-style: chr4-187522509-CTAATT-C.
Other names: c.11549_11553del, p.Lys3850fs (NM_001440455.1, NM_001440456.1, NM_001440457.1); short protein forms K3850fs.
Identifiers: ClinVar variation 4716102 (VCV004716102.1).
Genomic context (GRCh38, chr4:186,601,355, plus strand): 5'-GAGCATACATGACAACCGCATGCGTGGAATATGTTCTGAGCCTCATGGTCAGTTTCATCT[CTAATT>C]TGTTTTCATTTTCCGTCAGACGGTATTTCACGTAGCTGTTTCCAGTCAGTGTCATAGATG-3'

ClinVar aggregate classification (germline): Pathogenic (1 of 4 stars; one submission).

Submission:

Labcorp Genetics (formerly Invitae), Labcorp
Classification: Pathogenic. Last evaluated: 2025-05-01. Review status: criteria provided, single submitter. Criteria: Invitae Variant Classification Sherloc (09022015). Collection method: clinical testing. Allele origin: germline.
Comment: This sequence change creates a premature translational stop signal (p.Lys3850Argfs*24) in the FAT1 gene. It is expected to result in an absent or disrupted protein product. Loss-of-function variants in FAT1 are known to be pathogenic (PMID: 30862798). This variant is not present in population databases (gnomAD no frequency). This variant has not been reported in the literature in individuals affected with FAT1-related conditions. For these reasons, this variant has been classified as Pathogenic.

Literature cited by the submitters: PubMed 30862798.